The following is an entry in ClinVar:

NM_001379286.1(ZNF423):c.2921A>G (p.Glu974Gly)

Gene: ZNF423 (zinc finger protein 423; minus strand). Cytogenetic location: 16q12.1.
Variant type: single nucleotide variant.
Coding change: c.2921A>G on transcript NM_001379286.1 (MANE Select); coding-DNA position 2921, A replaced by G.
Protein change: p.Glu974Gly; replaces glutamic acid 974 with glycine.
Molecular consequence: missense variant.
Genome position (GRCh38, 1-based): chr16:49,636,255, T>C on the plus strand (A>G on the coding strand, the complement: ZNF423 is on the minus strand). VCF-style: chr16-49636255-T-C. GRCh37 (hg19) VCF-style: chr16-49670166-T-C.
Other names: c.2717A>G, p.Glu906Gly (NM_001271620.2); c.2546A>G, p.Glu849Gly (NM_001330533.2); c.2897A>G, p.Glu966Gly (NM_015069.5); short protein forms E849G, E906G, E966G, E974G.
Identifiers: ClinVar variation 1358297 (VCV001358297.8), dbSNP rs996772697, ClinGen allele CA281211179.

ClinVar aggregate classification (germline): Uncertain significance (1 of 4 stars; one submission).

Conditions:
Nephronophthisis 14 (NPHP14). Identifiers: Orphanet 2318, MedGen C3539071, MONDO:0013916, OMIM 614844.

Allele frequency attached by ClinVar (database versions not stated): gnomAD exomes below 0.00001.

Submission:

Labcorp Genetics (formerly Invitae), Labcorp
Classification: Uncertain significance for Nephronophthisis 14. Last evaluated: 2023-08-04. Review status: criteria provided, single submitter. Criteria: Invitae Variant Classification Sherloc (09022015). Collection method: clinical testing. Allele origin: germline.
Comment: This variant is not present in population databases (gnomAD no frequency). This sequence change replaces glutamic acid, which is acidic and polar, with glycine, which is neutral and non-polar, at codon 966 of the ZNF423 protein (p.Glu966Gly). This variant has not been reported in the literature in individuals affected with ZNF423-related conditions. In summary, the available evidence is currently insufficient to determine the role of this variant in disease. Therefore, it has been classified as a Variant of Uncertain Significance. Advanced modeling of protein sequence and biophysical properties (such as structural, functional, and spatial information, amino acid conservation, physicochemical variation, residue mobility, and thermodynamic stability) has been performed at Invitae for this missense variant, however the output from this modeling did not meet the statistical confidence thresholds required to predict the impact of this variant on ZNF423 protein function. ClinVar contains an entry for this variant (Variation ID: 1358297).